The following is an entry in ClinVar:

ClinVar aggregate classification (germline): Uncertain significance (1 of 4 stars; one submission).

Conditions:
Inborn genetic diseases. Identifiers: MedGen C0950123, MeSH D030342.

Submission:

Ambry Genetics
Classification: Uncertain significance for Inborn genetic diseases. Last evaluated: 2023-01-19. Review status: criteria provided, single submitter. Criteria: Ambry Variant Classification Scheme 2023. Collection method: clinical testing. Allele origin: germline.
Comment: The p.T361S variant (also known as c.1081A>T), located in coding exon 2 of the ATP7B gene, results from an A to T substitution at nucleotide position 1081. The threonine at codon 361 is replaced by serine, an amino acid with similar properties. This amino acid position is conserved. In addition, this alteration is predicted to be tolerated by in silico analysis. Since supporting evidence is limited at this time, the clinical significance of this alteration remains unclear.

NM_000053.4(ATP7B):c.1081A>T (p.Thr361Ser)

Gene: ATP7B (ATPase copper transporting beta; minus strand). Cytogenetic location: 13q14.3.
Variant type: single nucleotide variant.
Coding change: c.1081A>T on transcript NM_000053.4 (MANE Select); coding-DNA position 1081, A replaced by T.
Protein change: p.Thr361Ser; replaces threonine 361 with serine.
Molecular consequence: missense variant. On other transcripts: intron variant (2).
Genome position (GRCh38, 1-based): chr13:51,974,139, T>A on the plus strand (A>T on the coding strand, the complement: ATP7B is on the minus strand). VCF-style: chr13-51974139-T-A. GRCh37 (hg19) VCF-style: chr13-52548275-T-A.
Other names: c.1081A>T, p.Thr361Ser (NM_001005918.3, NM_001330578.2, NM_001330579.2 and 29 more transcripts); c.985A>T, p.Thr329Ser (NM_001406517.1, NM_001406518.1, NM_001406530.1 and 3 more transcripts); c.803-55A>T (NM_001243182.2); c.707-55A>T (NM_001406539.1); short protein forms T329S, T361S.
Identifiers: ClinVar variation 2453690 (VCV002453690.2), dbSNP rs2547815205, ClinGen allele CA388039136.